The following is an entry in ClinVar:

NM_013339.4(ALG6):c.419C>T (p.Thr140Ile)

Gene: ALG6 (ALG6 alpha-1,3-glucosyltransferase; plus strand). Cytogenetic location: 1p31.3.
Variant type: single nucleotide variant.
Coding change: c.419C>T on transcript NM_013339.4 (MANE Select); coding-DNA position 419, C replaced by T.
Protein change: p.Thr140Ile; replaces threonine 140 with isoleucine.
Molecular consequence: missense variant.
Genome position (GRCh38, 1-based): chr1:63,406,389, C>T. VCF-style: chr1-63406389-C-T. GRCh37 (hg19) VCF-style: chr1-63872060-C-T.
Other names: short protein forms T140I.
Identifiers: ClinVar variation 2179524 (VCV002179524.1), dbSNP rs764447723, ClinGen allele CA888158.
Genomic context (GRCh38, chr1:63,406,389, plus strand): 5'-ATCTGCTGATTTACATACCTGCAGTGGTTTTGTACTGTTGTTGCTTAAAAGAAATCTCAA[C>T]TAAGAAAAAGGTAGGTTTTCAAGCAGCCTGACAGTTCGTCTCTGAAATGTATTCTTTATT-3'
Protein context (NP_037471.2, residues 130-150): LYCCCLKEIS[Thr140Ile]KKKIANALCI

ClinVar aggregate classification (germline): Uncertain significance (1 of 4 stars; one submission).

Conditions:
ALG6-congenital disorder of glycosylation 1C (CDG1C). Also called: CDG Ic; CARBOHYDRATE-DEFICIENT GLYCOPROTEIN SYNDROME, TYPE I, WITH DEFICIENT GLYCOSYLATION OF DOLICHOL-LINKED OLIGOSACCHARIDE; CARBOHYDRATE-DEFICIENT GLYCOPROTEIN SYNDROME, TYPE V; Congenital disorder of glycosylation type 1C; Congenital disorder of glycosylation, type Ic. Identifiers: Orphanet 79320, MedGen C2930997, MONDO:0011291, OMIM 603147.

Allele frequency attached by ClinVar (database versions not stated): ExAC 0.00002; gnomAD 0.00002; TOPMed 0.00004.
gnomAD v4.1: 6 of 1,612,818 alleles (0.00037%); highest among the groups gnomAD compares: Admixed American, 0.01%; no homozygotes.

Submission:

Labcorp Genetics (formerly Invitae), Labcorp
Classification: Uncertain significance for ALG6-congenital disorder of glycosylation 1C. Last evaluated: 2022-05-25. Review status: criteria provided, single submitter. Criteria: Invitae Variant Classification Sherloc (09022015). Collection method: clinical testing. Allele origin: germline.
Comment: This sequence change replaces threonine, which is neutral and polar, with isoleucine, which is neutral and non-polar, at codon 140 of the ALG6 protein (p.Thr140Ile). This variant is present in population databases (rs764447723, gnomAD 0.01%). This variant has not been reported in the literature in individuals affected with ALG6-related conditions. Algorithms developed to predict the effect of missense changes on protein structure and function output the following: SIFT: "Tolerated"; PolyPhen-2: "Benign"; Align-GVGD: "Class C0". The isoleucine amino acid residue is found in multiple mammalian species, which suggests that this missense change does not adversely affect protein function. In summary, the available evidence is currently insufficient to determine the role of this variant in disease. Therefore, it has been classified as a Variant of Uncertain Significance.